The following is an entry in ClinVar:

ClinVar aggregate classification (germline): Uncertain significance (1 of 4 stars; one submission).

Conditions:
Inborn genetic diseases. Identifiers: MedGen C0950123, MeSH D030342.

Submission:

Ambry Genetics
Classification: Uncertain significance for Inborn genetic diseases. Last evaluated: 2025-02-26. Review status: criteria provided, single submitter. Criteria: Ambry Variant Classification Scheme 2023. Collection method: clinical testing. Allele origin: germline.
Comment: The p.V368A variant (also known as c.1103T>C), located in coding exon 7 of the WT1 gene, results from a T to C substitution at nucleotide position 1103. The valine at codon 368 is replaced by alanine, an amino acid with similar properties. This amino acid position is conserved. In addition, the in silico prediction for this alteration is inconclusive. Based on the available evidence, the clinical significance of this variant remains unclear.

NM_024426.6(WT1):c.1118T>C (p.Val373Ala)

Gene: WT1 (WT1 transcription factor; minus strand). Cytogenetic location: 11p13.
Variant type: single nucleotide variant.
Coding change: c.1118T>C on transcript NM_024426.6 (MANE Select); coding-DNA position 1118, T replaced by C.
Protein change: p.Val373Ala; replaces valine 373 with alanine.
Molecular consequence: missense variant. On other transcripts: 5 prime UTR variant (1), non-coding transcript variant (2).
Genome position (GRCh38, 1-based): chr11:32,396,403, A>G on the plus strand (T>C on the coding strand, the complement: WT1 is on the minus strand). VCF-style: chr11-32396403-A-G. GRCh37 (hg19) VCF-style: chr11-32417949-A-G.
Other names: c.1067T>C, p.Val356Ala (NM_000378.6, NM_001407045.1, NM_001407048.1 and 1 more transcripts); c.467T>C, p.Val156Ala (NM_001198551.2); c.416T>C, p.Val139Ala (NM_001198552.2); c.-71T>C (NM_001367854.1); c.1112T>C, p.Val371Ala (NM_001407044.1); c.1118T>C, p.Val373Ala (NM_001407046.1, NM_024424.5); c.995T>C, p.Val332Ala (NM_001407047.1); c.944T>C, p.Val315Ala (NM_001407050.1); and 3 more; short protein forms V156A, V315A, V373A, V119A, V356A, V371A, V139A, V283A.
Identifiers: ClinVar variation 3817488 (VCV003817488.1).